The following is an entry in ClinVar:

ClinVar aggregate classification (germline): Likely pathogenic (1 of 4 stars; one submission).

Conditions:
Mucopolysaccharidosis, MPS-II (MPS2). Also called: Hunter Syndrome; IDURONATE 2-SULFATASE DEFICIENCY; Mucopolysaccharidosis Type II; Mucopolysaccharidosis type 2; Attenuated MPS (subtype; formerly known as mild MPS II); Severe MPS II. Identifiers: Orphanet 580, Orphanet 79388, MedGen C0026705, MONDO:0010674, OMIM 309900.

Submission:

Laboratory of Diagnosis and Therapy of Lysosomal Disorders, University of Padova
Classification: Likely pathogenic for Mucopolysaccharidosis, MPS-II. Last evaluated: 2024-06-07. Review status: criteria provided, single submitter. Criteria: ACMG Guidelines, 2015. Collection method: literature only. Allele origin: germline. Affected: yes. Observed: 1 variant allele.
Comment: Absent from controls (or at low frequency) in gnomAD database (PM2_Moderate), Missense variant in a gene with a low rate of benign missense variation (PP2_Supporting), Multiple lines of computational evidence support a deleterious effect (PP3_Supporting), Patient’s phenotype or family history highly specific for the disease (PP4_Strong)

Classification method: ACMG Guidelines [PMID:25741868] with modifications

Literature cited by the submitters: PubMed 36945845.

NM_000202.8(IDS):c.1050T>G (p.Asn350Lys)

Genes: IDS (iduronate 2-sulfatase; minus strand), LOC106050102 (IDS recombination region; plus strand). Cytogenetic location: Xq28.
Variant type: single nucleotide variant.
Coding change: c.1050T>G on transcript NM_000202.8 (MANE Select); coding-DNA position 1050, T replaced by G.
Protein change: p.Asn350Lys; replaces asparagine 350 with lysine.
Molecular consequence: missense variant.
Genome position (GRCh38, 1-based): chrX:149,487,055, A>C on the plus strand (T>G on the coding strand, the complement: IDS is on the minus strand). VCF-style: chrX-149487055-A-C. GRCh37 (hg19) VCF-style: chrX-148568586-A-C.
Other names: c.780T>G, p.Asn260Lys (NM_001166550.4); short protein forms N260K, N350K.
Identifiers: ClinVar variation 3255954 (VCV003255954.2).